The following is an entry in ClinVar:

NM_014989.7(RIMS1):c.2764C>T (p.Pro922Ser)

Gene: RIMS1 (regulating synaptic membrane exocytosis 1; plus strand). Cytogenetic location: 6q13.
Variant type: single nucleotide variant.
Coding change: c.2764C>T on transcript NM_014989.7 (MANE Select); coding-DNA position 2764, C replaced by T.
Protein change: p.Pro922Ser; replaces proline 922 with serine.
Molecular consequence: missense variant.
Genome position (GRCh38, 1-based): chr6:72,252,826, C>T. VCF-style: chr6-72252826-C-T. GRCh37 (hg19) VCF-style: chr6-72962529-C-T.
Other names: c.1186C>T, p.Pro396Ser (NM_001350418.2, NM_001350419.2, NM_001350420.2 and 37 more transcripts); c.1117C>T, p.Pro373Ser (NM_001350421.2, NM_001350424.2, NM_001350437.2 and 6 more transcripts); c.943C>T, p.Pro315Ser (NM_001350461.2, NM_001350463.2, NM_001350464.2 and 6 more transcripts); c.1141C>T, p.Pro381Ser (NM_001350470.2, NM_001350472.2, NM_001350473.2 and 2 more transcripts); short protein forms P373S, P315S, P381S, P396S, P922S.
Identifiers: ClinVar variation 2907764 (VCV002907764.3), dbSNP rs549248313, ClinGen allele CA364680649.
Genomic context (GRCh38, chr6:72,252,826, plus strand): 5'-CAGCGAATCAGTGATAGTGACATCTCAGATTATGAGGTTGATGATGGTATTGGCGTAGTT[C>T]CTCCAGGTGCGTGGGTGAGGAGCATGACCCTGCTTCACTGTGCTGCTTTGCTTGTTTTCT-3'
Protein context (NP_055804.2, residues 912-932): YEVDDGIGVV[Pro922Ser]PVGYRSSARE

ClinVar aggregate classification (germline): Uncertain significance (1 of 4 stars; one submission).

gnomAD v4.1: 1 of 1,554,158 alleles (0.000064%); highest among the groups gnomAD compares: South Asian, 0.0012%; no homozygotes.

Submission:

Labcorp Genetics (formerly Invitae), Labcorp
Classification: Uncertain significance. Last evaluated: 2024-01-02. Review status: criteria provided, single submitter. Criteria: Invitae Variant Classification Sherloc (09022015). Collection method: clinical testing. Allele origin: germline.
Comment: This sequence change replaces proline, which is neutral and non-polar, with serine, which is neutral and polar, at codon 922 of the RIMS1 protein (p.Pro922Ser). This variant is not present in population databases (gnomAD no frequency). This variant has not been reported in the literature in individuals affected with RIMS1-related conditions. An algorithm developed to predict the effect of missense changes on protein structure and function (PolyPhen-2) suggests that this variant is likely to be disruptive. In summary, the available evidence is currently insufficient to determine the role of this variant in disease. Therefore, it has been classified as a Variant of Uncertain Significance.